The following is an entry in ClinVar:

NM_000038.6(APC):c.1216G>A (p.Val406Ile)

Gene: APC (APC regulator of Wnt signaling pathway; plus strand). Cytogenetic location: 5q22.2.
Variant type: single nucleotide variant.
Coding change: c.1216G>A on transcript NM_000038.6 (MANE Select); coding-DNA position 1216, G replaced by A.
Protein change: p.Val406Ile; replaces valine 406 with isoleucine.
Molecular consequence: missense variant. On other transcripts: intron variant (4).
Genome position (GRCh38, 1-based): chr5:112,819,248, G>A. VCF-style: chr5-112819248-G-A. GRCh37 (hg19) VCF-style: chr5-112154945-G-A.
Other names: c.1216G>A, p.Val406Ile (NM_001127510.3, NM_001354895.2, NM_001354896.2); c.1162G>A, p.Val388Ile (NM_001127511.3); c.1246G>A, p.Val416Ile (NM_001354897.2); c.1141G>A, p.Val381Ile (NM_001354898.2); c.1132G>A, p.Val378Ile (NM_001354899.2); c.1039G>A, p.Val347Ile (NM_001354900.2, NM_001354901.2); c.367G>A, p.Val123Ile (NM_001354906.2); c.964-21G>A (NM_001354902.2); and 3 more; short protein forms V381I, V388I, V347I, V378I, V406I, V123I, V416I.
Identifiers: ClinVar variation 818615 (VCV000818615.9), dbSNP rs1580530639, ClinGen allele CA16023962.
Genomic context (GRCh38, chr5:112,819,248, plus strand): 5'-GCACTCCACAACATCATTCACTCACAGCCTGATGACAAGAGAGGCAGGCGTGAAATCCGA[G>A]TCCTTCATCTTTTGGAACAGATACGCGCTTACTGTGAAACCTGTTGGGAGTGGCAGGAAG-3'
Protein context (NP_000029.2, residues 396-416): DDKRGRREIR[Val406Ile]LHLLEQIRAY

ClinVar aggregate classification (germline): Uncertain significance. Review status: criteria provided, multiple submitters, no conflicts (2 of 4 stars). 2 submissions from 2 submitters: Uncertain significance (2). Last evaluated 2023-06-06.

Conditions:
Hereditary cancer-predisposing syndrome. Also called: Tumor predisposition; Hereditary neoplastic syndrome; Neoplastic Syndromes, Hereditary; Hereditary Cancer Syndrome. Identifiers: Orphanet 140162, MedGen C0027672, MeSH D009386, MONDO:0015356.
Familial adenomatous polyposis 1 (FAP1). Also called: FAMILIAL ADENOMATOUS POLYPOSIS 1, ATTENUATED; POLYPOSIS, ADENOMATOUS INTESTINAL. Identifiers: MedGen C2713442, MONDO:0021056, OMIM 175100. Disease mechanism: loss of function.

Submissions (2):

Ambry Genetics
Classification: Uncertain significance for Hereditary cancer-predisposing syndrome. Last evaluated: 2023-06-06. Review status: criteria provided, single submitter. Criteria: Ambry Variant Classification Scheme 2023. Collection method: clinical testing. Allele origin: germline.
Comment: The p.V406I variant (also known as c.1216G>A), located in coding exon 9 of the APC gene, results from a G to A substitution at nucleotide position 1216. The valine at codon 406 is replaced by isoleucine, an amino acid with highly similar properties. This amino acid position is highly conserved in available vertebrate species. In addition, in silico predictors for this gene do not accurately predict pathogenicity. Since supporting evidence is limited at this time, the clinical significance of this alteration remains unclear.

Labcorp Genetics (formerly Invitae), Labcorp
Classification: Uncertain significance for Familial adenomatous polyposis 1. Last evaluated: 2022-05-27. Review status: criteria provided, single submitter. Criteria: Invitae Variant Classification Sherloc (09022015). Collection method: clinical testing. Allele origin: germline.
Comment: This sequence change replaces valine, which is neutral and non-polar, with isoleucine, which is neutral and non-polar, at codon 406 of the APC protein (p.Val406Ile). This variant is not present in population databases (gnomAD no frequency). This variant has not been reported in the literature in individuals affected with APC-related conditions. ClinVar contains an entry for this variant (Variation ID: 818615). Algorithms developed to predict the effect of missense changes on protein structure and function are either unavailable or do not agree on the potential impact of this missense change (SIFT: "Deleterious"; PolyPhen-2: "Benign"; Align-GVGD: "Class C0"). In summary, the available evidence is currently insufficient to determine the role of this variant in disease. Therefore, it has been classified as a Variant of Uncertain Significance.